The following is an entry in ClinVar:

ClinVar aggregate classification (germline): Uncertain significance (1 of 4 stars; one submission).

Allele frequency attached by ClinVar (database versions not stated): gnomAD exomes below 0.00001; gnomAD 0.00001.
gnomAD v4.1: 4 of 1,613,406 alleles (0.00025%); highest among the groups gnomAD compares: Non-Finnish European, 0.00017%; no homozygotes.

Submission:

Labcorp Genetics (formerly Invitae), Labcorp
Classification: Uncertain significance. Last evaluated: 2022-09-07. Review status: criteria provided, single submitter. Criteria: Invitae Variant Classification Sherloc (09022015). Collection method: clinical testing. Allele origin: germline.
Comment: This sequence change replaces glutamine, which is neutral and polar, with histidine, which is basic and polar, at codon 196 of the NBAS protein (p.Gln196His). This variant is not present in population databases (gnomAD no frequency). This variant has not been reported in the literature in individuals affected with NBAS-related conditions. ClinVar contains an entry for this variant (Variation ID: 1397520). Algorithms developed to predict the effect of missense changes on protein structure and function are either unavailable or do not agree on the potential impact of this missense change (SIFT: "Deleterious"; PolyPhen-2: "Benign"; Align-GVGD: "Class C15"). In summary, the available evidence is currently insufficient to determine the role of this variant in disease. Therefore, it has been classified as a Variant of Uncertain Significance.

NM_015909.4(NBAS):c.588G>C (p.Gln196His)

Gene: NBAS (NBAS subunit of NRZ tethering complex; minus strand). Cytogenetic location: 2p24.3.
Variant type: single nucleotide variant.
Coding change: c.588G>C on transcript NM_015909.4 (MANE Select); coding-DNA position 588, G replaced by C.
Protein change: p.Gln196His; replaces glutamine 196 with histidine.
Molecular consequence: missense variant. On other transcripts: non-coding transcript variant (1).
Genome position (GRCh38, 1-based): chr2:15,536,477, C>G on the plus strand (G>C on the coding strand, the complement: NBAS is on the minus strand). VCF-style: chr2-15536477-C-G. GRCh37 (hg19) VCF-style: chr2-15676601-C-G.
Other names: short protein forms Q196H.
Identifiers: ClinVar variation 1397520 (VCV001397520.3), dbSNP rs1663521315, ClinGen allele CA345886177.